The following is an entry in ClinVar:

ClinVar aggregate classification (germline): Likely pathogenic (1 of 4 stars; one submission).

Conditions:
Christianson syndrome (MRXSCH). Also called: X-linked mental retardation, syndromic, Christianson type; SLC9A6-Related Syndromic Mental Retardation; INTELLECTUAL DEVELOPMENTAL DISORDER, X-LINKED, SYNDROMIC, CHRISTIANSON TYPE. Identifiers: Orphanet 85278, MedGen C2678194, MONDO:0010278, OMIM 300243.

Submission:

HudsonAlpha Institute for Biotechnology
Classification: Likely pathogenic for Christianson syndrome. Last evaluated: 2022-09-28. Review status: criteria provided, single submitter. Criteria: ACMG Guidelines, 2015. Collection method: research. Allele origin: maternal. Affected: yes. Observed: 1 variant allele. Study: HudsonAlpha-AGHI-WGS.
Comment: ACMG codes:PVS1_VeryStrong, PM2_Moderate

NM_001379110.1(SLC9A6):c.1189del (p.Ala397fs)

Gene: SLC9A6 (solute carrier family 9 member A6; plus strand). Cytogenetic location: Xq26.3.
Variant type: Deletion.
Coding change: c.1189del on transcript NM_001379110.1 (MANE Select); coding-DNA position 1189, one base deleted (G; older notation c.1189delG).
Protein change: p.Ala397fs; shifts the reading frame from alanine 397.
Molecular consequence: frameshift variant.
Genome position (GRCh38, 1-based): chrX:136,016,753, G deleted. VCF-style (leftmost placement, unchanged base first): chrX-136016752-AG-A. GRCh37 (hg19) VCF-style: chrX-135098911-AG-A.
Other names: c.1345del, p.Ala449fs (NM_001042537.2); c.1189del, p.Ala397fs (NM_001177651.2, NM_001400909.1, NM_001400910.1 and 2 more transcripts); c.1093del, p.Ala365fs (NM_001330652.2, NM_001400913.1); c.1249del, p.Ala417fs (NM_006359.3); short protein forms A365fs, A397fs, A417fs, A449fs.
Identifiers: ClinVar variation 1803751 (VCV001803751.1), dbSNP rs2521333744, ClinGen allele CA2580101663.